The following is an entry in ClinVar:

ClinVar aggregate classification (germline): Uncertain significance (1 of 4 stars; one submission).

Conditions:
Cardiovascular phenotype. Identifiers: MedGen CN230736.

gnomAD v4.1: 2 of 1,613,472 alleles (0.00012%); highest among the groups gnomAD compares: Non-Finnish European, 0.000085%; no homozygotes.

Submission:

Ambry Genetics
Classification: Uncertain significance for Cardiovascular phenotype. Last evaluated: 2025-01-28. Review status: criteria provided, single submitter. Criteria: Ambry Variant Classification Scheme 2023. Collection method: clinical testing. Allele origin: germline.
Comment: The p.Q156L variant (also known as c.467A>T), located in coding exon 4 of the TBX5 gene, results from an A to T substitution at nucleotide position 467. The glutamine at codon 156 is replaced by leucine, an amino acid with dissimilar properties. This amino acid position is conserved. In addition, this alteration is predicted to be deleterious by in silico analysis. Based on the available evidence, the clinical significance of this variant remains unclear.

NM_181486.4(TBX5):c.467A>T (p.Gln156Leu)

Gene: TBX5 (T-box transcription factor 5; minus strand). Cytogenetic location: 12q24.21.
Variant type: single nucleotide variant.
Coding change: c.467A>T on transcript NM_181486.4 (MANE Select); coding-DNA position 467, A replaced by T.
Protein change: p.Gln156Leu; replaces glutamine 156 with leucine.
Molecular consequence: missense variant.
Genome position (GRCh38, 1-based): chr12:114,398,616, T>A on the plus strand (A>T on the coding strand, the complement: TBX5 is on the minus strand). VCF-style: chr12-114398616-T-A. GRCh37 (hg19) VCF-style: chr12-114836421-T-A.
Other names: c.467A>T, p.Gln156Leu (NM_000192.3); c.317A>T, p.Gln106Leu (NM_080717.4); short protein forms Q106L, Q156L.
Identifiers: ClinVar variation 3804934 (VCV003804934.1).